The following is an entry in ClinVar:

NM_022787.4(NMNAT1):c.547C>T (p.Leu183Phe)

Gene: NMNAT1 (nicotinamide nucleotide adenylyltransferase 1; plus strand). Cytogenetic location: 1p36.22.
Variant type: single nucleotide variant.
Coding change: c.547C>T on transcript NM_022787.4 (MANE Select); coding-DNA position 547, C replaced by T.
Protein change: p.Leu183Phe; replaces leucine 183 with phenylalanine.
Molecular consequence: missense variant.
Genome position (GRCh38, 1-based): chr1:9,982,408, C>T. VCF-style: chr1-9982408-C-T. GRCh37 (hg19) VCF-style: chr1-10042466-C-T.
Other names: c.547C>T, p.Leu183Phe (NM_001297778.1); short protein forms L183F.
Identifiers: ClinVar variation 1037668 (VCV001037668.8), dbSNP rs1337014971, ClinGen allele CA338686682.

ClinVar aggregate classification (germline): Conflicting classifications of pathogenicity. Review status: criteria provided, conflicting classifications (1 of 4 stars). 2 submissions from 2 submitters: Likely pathogenic (1); Uncertain significance (1). Last evaluated 2023-11-13.

Conditions:
Leber congenital amaurosis 9 (LCA9). Also called: LCA9 Leber Congenital Amaurosis; LCA 9; Amaurosis congenita of Leber, type 9. Identifiers: Orphanet 65, MedGen C1837873, MONDO:0012056, OMIM 608553.

Allele frequency attached by ClinVar (database versions not stated): gnomAD exomes below 0.00001; gnomAD 0.00001.
gnomAD v4.1: 2 of 1,613,924 alleles (0.00012%); highest among the groups gnomAD compares: African/African-American, 0.0013%; no homozygotes.

Submissions (2):

Labcorp Genetics (formerly Invitae), Labcorp
Classification: Likely pathogenic for Leber congenital amaurosis 9. Last evaluated: 2023-11-13. Review status: criteria provided, single submitter. Criteria: Invitae Variant Classification Sherloc (09022015). Collection method: clinical testing. Allele origin: germline.
Comment: This sequence change replaces leucine, which is neutral and non-polar, with phenylalanine, which is neutral and non-polar, at codon 183 of the NMNAT1 protein (p.Leu183Phe). This variant is present in population databases (no rsID available, gnomAD 0.0009%). This missense change has been observed in individual(s) with Leber’s congenital amaurosis (PMID: 36140798). It has also been observed to segregate with disease in related individuals. ClinVar contains an entry for this variant (Variation ID: 1037668). Advanced modeling of protein sequence and biophysical properties (such as structural, functional, and spatial information, amino acid conservation, physicochemical variation, residue mobility, and thermodynamic stability) performed at Invitae indicates that this missense variant is expected to disrupt NMNAT1 protein function with a positive predictive value of 80%. In summary, the currently available evidence indicates that the variant is pathogenic, but additional data are needed to prove that conclusively. Therefore, this variant has been classified as Likely Pathogenic.

Revvity Omics, Revvity
Classification: Uncertain significance. Last evaluated: 2022-03-25. Review status: criteria provided, single submitter. Criteria: ACMG Guidelines, 2015. Collection method: clinical testing. Allele origin: germline.

Literature cited by the submitters: PubMed 36140798 (cited by Labcorp Genetics (formerly Invitae), Labcorp).